The following is an entry in ClinVar:

NM_015073.3(SIPA1L3):c.676C>T (p.Arg226Cys)

Gene: SIPA1L3 (signal induced proliferation associated 1 like 3; plus strand). Cytogenetic location: 19q13.13.
Variant type: single nucleotide variant.
Coding change: c.676C>T on transcript NM_015073.3 (MANE Select); coding-DNA position 676, C replaced by T.
Protein change: p.Arg226Cys; replaces arginine 226 with cysteine.
Molecular consequence: missense variant.
Genome position (GRCh38, 1-based): chr19:38,082,241, C>T. VCF-style: chr19-38082241-C-T. GRCh37 (hg19) VCF-style: chr19-38572881-C-T.
Other names: short protein forms R226C.
Identifiers: ClinVar variation 2140462 (VCV002140462.4), dbSNP rs147366609, ClinGen allele CA9409171.

ClinVar aggregate classification (germline): Uncertain significance (1 of 4 stars; one submission).

Allele frequency attached by ClinVar (database versions not stated): TOPMed 0.00015; ESP Exome Variant Server 0.00016; gnomAD 0.00023; gnomAD exomes 0.00025; ExAC 0.00031.

Submission:

Labcorp Genetics (formerly Invitae), Labcorp
Classification: Uncertain significance. Last evaluated: 2025-02-19. Review status: criteria provided, single submitter. Criteria: Invitae Variant Classification Sherloc (09022015). Collection method: clinical testing. Allele origin: germline.
Comment: This sequence change replaces arginine, which is basic and polar, with cysteine, which is neutral and slightly polar, at codon 226 of the SIPA1L3 protein (p.Arg226Cys). This variant is present in population databases (rs147366609, gnomAD 0.2%), and has an allele count higher than expected for a pathogenic variant. This variant has not been reported in the literature in individuals affected with SIPA1L3-related conditions. ClinVar contains an entry for this variant (Variation ID: 2140462). An algorithm developed to predict the effect of missense changes on protein structure and function (PolyPhen-2) suggests that this variant is likely to be disruptive. In summary, the available evidence is currently insufficient to determine the role of this variant in disease. Therefore, it has been classified as a Variant of Uncertain Significance.